The following is an entry in ClinVar:

ClinVar aggregate classification (germline): Uncertain significance. Review status: criteria provided, multiple submitters, no conflicts (2 of 4 stars). 2 submissions from 2 submitters: Uncertain significance (2). Last evaluated 2025-01-28.

Conditions:
Autosomal dominant hypocalcemia 1 (HYPOC1). Also called: HYPOCALCEMIA, FAMILIAL. Identifiers: MedGen C3715128, MONDO:0011013, OMIM 601198.
Familial hypocalciuric hypercalcemia (FHH). Also called: Familial benign hypercalcemia. Identifiers: Orphanet 405, MedGen C1809471, MONDO:0018458.

Allele frequency attached by ClinVar (database versions not stated): TOPMed below 0.00001.

Submissions (2):

Women's Health and Genetics/Laboratory Corporation of America, LabCorp
Classification: Uncertain significance. Last evaluated: 2025-01-28. Review status: criteria provided, single submitter. Criteria: LabCorp Variant Classification Summary - May 2015. Collection method: clinical testing. Allele origin: germline.
Comment: Variant summary: CASR c.1301T>C (p.Ile434Thr) results in a non-conservative amino acid change located in the Receptor family ligand binding region domain (IPR001828) of the encoded protein sequence. Five of five in-silico tools predict a damaging effect of the variant on protein function. The variant was absent in 251040 control chromosomes. The available data on variant occurrences in the general population are insufficient to allow any conclusion about variant significance. To our knowledge, no occurrence of c.1301T>C in individuals affected with Autosomal Dominant Hypocalcemia and no experimental evidence demonstrating its impact on protein function have been reported. ClinVar contains an entry for this variant (Variation ID: 1446501). Based on the evidence outlined above, the variant was classified as uncertain significance.

Labcorp Genetics (formerly Invitae), Labcorp
Classification: Uncertain significance for Familial hypocalciuric hypercalcemia; Autosomal dominant hypocalcemia 1. Last evaluated: 2021-05-18. Review status: criteria provided, single submitter. Criteria: Invitae Variant Classification Sherloc (09022015). Collection method: clinical testing. Allele origin: germline.
Comment: In summary, the available evidence is currently insufficient to determine the role of this variant in disease. Therefore, it has been classified as a Variant of Uncertain Significance. Algorithms developed to predict the effect of missense changes on protein structure and function (SIFT, PolyPhen-2, Align-GVGD) all suggest that this variant is likely to be disruptive, but these predictions have not been confirmed by published functional studies and their clinical significance is uncertain. This variant has not been reported in the literature in individuals with CASR-related conditions. This variant is not present in population databases (ExAC no frequency). This sequence change replaces isoleucine with threonine at codon 434 of the CASR protein (p.Ile434Thr). The isoleucine residue is highly conserved and there is a moderate physicochemical difference between isoleucine and threonine.

NM_000388.4(CASR):c.1301T>C (p.Ile434Thr)

Gene: CASR (calcium sensing receptor; plus strand). Cytogenetic location: 3q21.1.
Variant type: single nucleotide variant.
Coding change: c.1301T>C on transcript NM_000388.4 (MANE Select); coding-DNA position 1301, T replaced by C.
Protein change: p.Ile434Thr; replaces isoleucine 434 with threonine.
Molecular consequence: missense variant.
Genome position (GRCh38, 1-based): chr3:122,262,336, T>C. VCF-style: chr3-122262336-T-C. GRCh37 (hg19) VCF-style: chr3-121981183-T-C.
Other names: c.1301T>C, p.Ile434Thr (NM_001178065.2); short protein forms I434T.
Identifiers: ClinVar variation 1446501 (VCV001446501.10), dbSNP rs1375250506, ClinGen allele CA354153029.
Genomic context (GRCh38, chr3:122,262,336, plus strand): 5'-TACGGATATCCTACAATGTGTACTTAGCAGTCTACTCCATTGCCCACGCCTTGCAAGATA[T>C]ATATACCTGCTTACCTGGGAGAGGGCTCTTCACCAATGGCTCCTGTGCAGACATCAAGAA-3'
Protein context (NP_000379.3, residues 424-444): VYSIAHALQD[Ile434Thr]YTCLPGRGLF